The following is an entry in ClinVar:

ClinVar aggregate classification (germline): Uncertain significance. Review status: criteria provided, multiple submitters, no conflicts (2 of 4 stars). 2 submissions from 2 submitters: Uncertain significance (2). Last evaluated 2023-02-08.

Conditions:
Ciliary dyskinesia, primary, 37 (CILD37). Also called: CILIARY DYSKINESIA, PRIMARY, 37, WITH OR WITHOUT SITUS INVERSUS. Identifiers: MedGen C4539798, MONDO:0033204, OMIM 617577.
Spermatogenic failure 18. Identifiers: MedGen C4539783, MONDO:0054615, OMIM 617576.

Allele frequency attached by ClinVar (database versions not stated): gnomAD 0.00001; gnomAD exomes 0.00001; TOPMed 0.00002.
gnomAD v4.1: 107 of 1,613,158 alleles (0.0066%); highest among the groups gnomAD compares: Non-Finnish European, 0.0091%; no homozygotes.

Submissions (2):

Ambry Genetics
Classification: Uncertain significance. Last evaluated: 2023-02-08. Review status: criteria provided, single submitter. Criteria: Ambry Variant Classification Scheme 2023. Collection method: clinical testing. Allele origin: germline.

Labcorp Genetics (formerly Invitae), Labcorp
Classification: Uncertain significance for Ciliary dyskinesia, primary, 37; Spermatogenic failure 18. Last evaluated: 2021-06-01. Review status: criteria provided, single submitter. Criteria: Invitae Variant Classification Sherloc (09022015). Collection method: clinical testing. Allele origin: germline.
Comment: Algorithms developed to predict the effect of missense changes on protein structure and function are either unavailable or do not agree on the potential impact of this missense change (SIFT: "Deleterious"; PolyPhen-2: "Probably Damaging"; Align-GVGD: "Class C0"). In summary, the available evidence is currently insufficient to determine the role of this variant in disease. Therefore, it has been classified as a Variant of Uncertain Significance. This variant has not been reported in the literature in individuals with DNAH1-related conditions. This sequence change replaces aspartic acid with valine at codon 3666 of the DNAH1 protein (p.Asp3666Val). The aspartic acid residue is moderately conserved and there is a large physicochemical difference between aspartic acid and valine. This variant is not present in population databases (ExAC no frequency).

NM_015512.5(DNAH1):c.10997A>T (p.Asp3666Val)

Gene: DNAH1 (dynein axonemal heavy chain 1; plus strand). Cytogenetic location: 3p21.1.
Variant type: single nucleotide variant.
Coding change: c.10997A>T on transcript NM_015512.5 (MANE Select); coding-DNA position 10997, A replaced by T.
Protein change: p.Asp3666Val; replaces aspartic acid 3666 with valine.
Molecular consequence: missense variant.
Genome position (GRCh38, 1-based): chr3:52,395,336, A>T. VCF-style: chr3-52395336-A-T. GRCh37 (hg19) VCF-style: chr3-52429352-A-T.
Other names: short protein forms D3666V.
Identifiers: ClinVar variation 846405 (VCV000846405.8), dbSNP rs1418695580, ClinGen allele CA353207392.